The following is an entry in ClinVar:

ClinVar aggregate classification (germline): Uncertain significance (1 of 4 stars; one submission).

Allele frequency attached by ClinVar (database versions not stated): gnomAD exomes below 0.00001; ExAC 0.00004; ESP Exome Variant Server 0.00008; gnomAD 0.00011; TOPMed 0.00014.
gnomAD v4.1: 22 of 1,268,990 alleles (0.0017%); highest among the groups gnomAD compares: African/African-American, 0.031%; no homozygotes.

Submission:

Labcorp Genetics (formerly Invitae), Labcorp
Classification: Uncertain significance. Last evaluated: 2022-07-13. Review status: criteria provided, single submitter. Criteria: Invitae Variant Classification Sherloc (09022015). Collection method: clinical testing. Allele origin: germline.
Comment: This sequence change falls in intron 2 of the CHUK gene. It does not directly change the encoded amino acid sequence of the CHUK protein. This variant is present in population databases (rs374398315, gnomAD 0.06%). This variant has not been reported in the literature in individuals affected with CHUK-related conditions. Algorithms developed to predict the effect of sequence changes on RNA splicing suggest that this variant may create or strengthen a splice site. In summary, the available evidence is currently insufficient to determine the role of this variant in disease. Therefore, it has been classified as a Variant of Uncertain Significance.

NM_001278.5(CHUK):c.201-20A>G

Gene: CHUK (component of inhibitor of nuclear factor kappa B kinase complex; minus strand). Cytogenetic location: 10q24.31.
Variant type: single nucleotide variant.
Coding change: c.201-20A>G on transcript NM_001278.5 (MANE Select); 20 bases into the intron before coding-DNA position 201, A replaced by G.
Molecular consequence: intron variant.
Genome position (GRCh38, 1-based): chr10:100,223,000, T>C on the plus strand (A>G on the coding strand, the complement: CHUK is on the minus strand). VCF-style: chr10-100223000-T-C. GRCh37 (hg19) VCF-style: chr10-101982757-T-C.
Other names: c.201-20A>G (NM_001320928.2).
Identifiers: ClinVar variation 1916083 (VCV001916083.5), dbSNP rs374398315, ClinGen allele CA5646729.